The following is an entry in ClinVar:

ClinVar aggregate classification (germline): Uncertain significance (1 of 4 stars; one submission).

Conditions:
Seizures, benign familial infantile, 3 (BFIS3). Also called: CONVULSIONS, BENIGN FAMILIAL INFANTILE, 3; Familial neonatal seizures. Identifiers: Orphanet 140927, Orphanet 306, MedGen C1843140, MONDO:0011904, OMIM 607745.
Developmental and epileptic encephalopathy, 11 (DEE11). Also called: Early infantile epileptic encephalopathy 11. Identifiers: Orphanet 1934, MedGen C3150987, MONDO:0013388, OMIM 613721.

Allele frequency attached by ClinVar (database versions not stated): gnomAD exomes below 0.00001; ExAC 0.00001; gnomAD 0.00001; TOPMed 0.00001.
gnomAD v4.1: 1 of 1,614,024 alleles (0.000062%); highest among the groups gnomAD compares: African/African-American, 0.0013%; no homozygotes.

Submission:

Labcorp Genetics (formerly Invitae), Labcorp
Classification: Uncertain significance for Seizures, benign familial infantile, 3; Developmental and epileptic encephalopathy, 11. Last evaluated: 2021-02-11. Review status: criteria provided, single submitter. Criteria: Invitae Variant Classification Sherloc (09022015). Collection method: clinical testing. Allele origin: germline.
Comment: In summary, the available evidence is currently insufficient to determine the role of this variant in disease. Therefore, it has been classified as a Variant of Uncertain Significance. Algorithms developed to predict the effect of missense changes on protein structure and function are either unavailable or do not agree on the potential impact of this missense change (SIFT: "Deleterious"; PolyPhen-2: "Probably Damaging"; Align-GVGD: "Class C0"). This variant has been observed in individual(s) with clinical features of SCN2A-related conditions (Invitae). This variant is present in population databases (rs761599392, ExAC 0.01%). This sequence change replaces leucine with histidine at codon 920 of the SCN2A protein (p.Leu920His). The leucine residue is highly conserved and there is a moderate physicochemical difference between leucine and histidine.

NM_001040142.2(SCN2A):c.2759T>A (p.Leu920His)

Gene: SCN2A (sodium voltage-gated channel alpha subunit 2; plus strand). Cytogenetic location: 2q24.3.
Variant type: single nucleotide variant.
Coding change: c.2759T>A on transcript NM_001040142.2 (MANE Select); coding-DNA position 2759, T replaced by A.
Protein change: p.Leu920His; replaces leucine 920 with histidine.
Molecular consequence: missense variant.
Genome position (GRCh38, 1-based): chr2:165,344,751, T>A. VCF-style: chr2-165344751-T-A. GRCh37 (hg19) VCF-style: chr2-166201261-T-A.
Other names: c.2759T>A, p.Leu920His (NM_001040143.2, NM_001371246.1, NM_001371247.1 and 1 more transcripts); short protein forms L920H.
Identifiers: ClinVar variation 1043628 (VCV001043628.9), dbSNP rs761599392, ClinGen allele CA1940019.